The following is an entry in ClinVar:

ClinVar aggregate classification (germline): Pathogenic/Likely pathogenic. Review status: criteria provided, multiple submitters, no conflicts (2 of 4 stars). 11 submissions from 9 submitters: Pathogenic (2); Likely pathogenic (6). 3 of the submissions do not count toward it. Last evaluated 2024-07-17.

Conditions:
Retinal dystrophy. Also called: Inherited retinal dystrophy. Identifiers: Orphanet 71862, MedGen C0854723, MeSH D058499, MONDO:0019118, HP:0000556.
Leber congenital amaurosis 8 (LCA8). Identifiers: Orphanet 65, MedGen C3151202, MONDO:0013453, OMIM 613835.
Retinitis pigmentosa 12 (RP12). Also called: RP WITH OR WITHOUT PPRPE; RP WITH OR WITHOUT PRESERVED PARAARTERIOLE RETINAL PIGMENT EPITHELIUM; RETINITIS PIGMENTOSA WITH OR WITHOUT PARAARTERIOLAR PRESERVATION OF RETINAL PIGMENT EPITHELIUM. Identifiers: Orphanet 791, MedGen C1838647, MONDO:0010818, OMIM 600105.
Pigmented paravenous retinochoroidal atrophy. Identifiers: Orphanet 251295, MedGen C1868310, MONDO:0008246, OMIM 172870.
Leber congenital amaurosis (LCA). Also called: Leber's amaurosis. Identifiers: Orphanet 65, MedGen C0339527, MeSH D057130, MONDO:0018998.

gnomAD v4.1: 3 of 1,614,192 alleles (0.00019%); highest among the groups gnomAD compares: Admixed American, 0.0017%; no homozygotes.

Submissions (11):

Natera, Inc.
Classification: Likely pathogenic for Leber congenital amaurosis. Last evaluated: 2024-07-17. Review status: criteria provided, single submitter. Criteria: Natera Variant Classification Schema (03/2026). Collection method: clinical testing. Allele origin: germline.
Comment: The c.1148G>A variant in CRB1 is a missense variant predicted to cause substitution of cysteine to tyrosine at amino acid 383. This variant is rare in the general population with a frequency below the threshold expected for the associated phenotype(s). This variant has been observed in one or more individuals affected with the associated recessive disease, as either homozygous or compound heterozygous with a second variant (PMID: 23449718, 25356976, 15459956). Additionally, this variant has been observed to segregate in affected family members (PMID: 23449718). Computational prediction algorithms indicate this variant is likely to affect gene or protein function. Given the available evidence, this variant is classified as Likely Pathogenic.

Baylor Genetics
Classification: Pathogenic for Leber congenital amaurosis 8. Last evaluated: 2023-11-08. Review status: criteria provided, single submitter. Criteria: ACMG Guidelines, 2015. Collection method: clinical testing. Allele origin: unknown.

Genome-Nilou Lab
Classification: Likely pathogenic for Leber congenital amaurosis 8. Last evaluated: 2023-04-11. Review status: criteria provided, single submitter. Criteria: ACMG Guidelines, 2015. Collection method: clinical testing. Allele origin: germline. Affected: no.

Genome-Nilou Lab
Classification: Likely pathogenic for Pigmented paravenous retinochoroidal atrophy. Last evaluated: 2023-04-11. Review status: criteria provided, single submitter. Criteria: ACMG Guidelines, 2015. Collection method: clinical testing. Allele origin: germline. Affected: no.

Genome-Nilou Lab
Classification: Likely pathogenic for Retinitis pigmentosa 12. Last evaluated: 2023-04-11. Review status: criteria provided, single submitter. Criteria: ACMG Guidelines, 2015. Collection method: clinical testing. Allele origin: germline. Affected: no.

Labcorp Genetics (formerly Invitae), Labcorp
Classification: Pathogenic for Leber congenital amaurosis 8; Retinitis pigmentosa 12. Last evaluated: 2022-08-23. Review status: criteria provided, single submitter. Criteria: Invitae Variant Classification Sherloc (09022015). Collection method: clinical testing. Allele origin: germline.
Comment: Advanced modeling of protein sequence and biophysical properties (such as structural, functional, and spatial information, amino acid conservation, physicochemical variation, residue mobility, and thermodynamic stability) performed at Invitae indicates that this missense variant is expected to disrupt CRB1 protein function. This sequence change replaces cysteine, which is neutral and slightly polar, with tyrosine, which is neutral and polar, at codon 383 of the CRB1 protein (p.Cys383Tyr). This variant is present in population databases (rs62645754, gnomAD 0.003%). This missense change has been observed in individuals with Leber congenital amaurosis and retinitis pigmentosa (PMID: 11231775, 23449718, 25356976). ClinVar contains an entry for this variant (Variation ID: 99866). For these reasons, this variant has been classified as Pathogenic.

Fulgent Genetics
Classification: Likely pathogenic for Pigmented paravenous retinochoroidal atrophy; Retinitis pigmentosa 12; Leber congenital amaurosis 8. Last evaluated: 2021-07-30. Review status: criteria provided, single submitter. Criteria: ACMG Guidelines, 2015. Collection method: clinical testing. Allele origin: unknown.

Institute of Human Genetics, Univ. Regensburg, Univ. Regensburg
Classification: Likely pathogenic for Retinal dystrophy. Last evaluated: 2019-01-01. Review status: criteria provided, single submitter. Criteria: ACMG Guidelines, 2015. Collection method: clinical testing. Allele origin: germline. Affected: yes.

Sharon lab, Hadassah-Hebrew University Medical Center
Classification: Pathogenic for leber congenital amaurosis. Last evaluated: 2019-06-23. Review status: no assertion criteria provided. Collection method: research. Allele origin: inherited. Affected: yes. Not counted in ClinVar's aggregate classification.

Laboratory of Genetics in Ophthalmology, Institut Imagine
Classification: Pathogenic for Leber congenital amaurosis 8. Review status: no assertion criteria provided. Collection method: research. Allele origin: maternal. Affected: yes. Observed: 1 variant allele. Not counted in ClinVar's aggregate classification.

Retina International
No classification provided. Review status: no classification provided. Collection method: not provided. Allele origin: not provided. Not counted in ClinVar's aggregate classification.

Literature cited by the submitters: PubMed 23449718 (cited by 3 submitters); PubMed 25356976 (cited by 3 submitters); PubMed 15459956 (cited by Natera, Inc.); PubMed 11231775 (cited by 3 submitters); PubMed 31964843 (cited by Institute of Human Genetics, Univ. Regensburg, Univ. Regensburg); PubMed 31456290 (cited by Institute of Human Genetics, Univ. Regensburg, Univ. Regensburg).

NM_201253.3(CRB1):c.1148G>A (p.Cys383Tyr)

Gene: CRB1 (crumbs cell polarity complex component 1; plus strand). Cytogenetic location: 1q31.3.
Variant type: single nucleotide variant.
Coding change: c.1148G>A on transcript NM_201253.3 (MANE Select); coding-DNA position 1148, G replaced by A.
Protein change: p.Cys383Tyr; replaces cysteine 383 with tyrosine.
Molecular consequence: missense variant. On other transcripts: non-coding transcript variant (2).
Genome position (GRCh38, 1-based): chr1:197,356,990, G>A. VCF-style: chr1-197356990-G-A. GRCh37 (hg19) VCF-style: chr1-197326120-G-A.
Other names: c.812G>A, p.Cys271Tyr (NM_001193640.2); c.941G>A, p.Cys314Tyr (NM_001257965.2); c.1148G>A, p.Cys383Tyr (NM_001257966.2); short protein forms C383Y, C271Y, C314Y.
Identifiers: ClinVar variation 99866 (VCV000099866.13), dbSNP rs62645754, ClinGen allele CA227987.